The following is an entry in ClinVar:

ClinVar aggregate classification (germline): Uncertain significance (1 of 4 stars; one submission).

Conditions:
Duchenne muscular dystrophy (DMD). Also called: MUSCULAR DYSTROPHY, PSEUDOHYPERTROPHIC PROGRESSIVE, DUCHENNE TYPE; Duchenne Muscular Dystrophy (DMD). Identifiers: Orphanet 98896, MedGen C0013264, MONDO:0010679, OMIM 310200.

Submission:

Labcorp Genetics (formerly Invitae), Labcorp
Classification: Uncertain significance for Duchenne muscular dystrophy. Last evaluated: 2022-08-16. Review status: criteria provided, single submitter. Criteria: Invitae Variant Classification Sherloc (09022015). Collection method: clinical testing. Allele origin: germline.
Comment: This sequence change replaces glutamine, which is neutral and polar, with glutamic acid, which is acidic and polar, at codon 3143 of the DMD protein (p.Gln3143Glu). This variant is not present in population databases (gnomAD no frequency). This variant has not been reported in the literature in individuals affected with DMD-related conditions. ClinVar contains an entry for this variant (Variation ID: 1387163). Algorithms developed to predict the effect of missense changes on protein structure and function (SIFT, PolyPhen-2, Align-GVGD) all suggest that this variant is likely to be tolerated. In summary, the available evidence is currently insufficient to determine the role of this variant in disease. Therefore, it has been classified as a Variant of Uncertain Significance.

NM_004006.3(DMD):c.9427C>G (p.Gln3143Glu)

Gene: DMD (dystrophin; minus strand). Cytogenetic location: Xp21.2.
Variant type: single nucleotide variant.
Coding change: c.9427C>G on transcript NM_004006.3 (MANE Select); coding-DNA position 9427, C replaced by G.
Protein change: p.Gln3143Glu; replaces glutamine 3143 with glutamic acid.
Molecular consequence: missense variant.
Genome position (GRCh38, 1-based): chrX:31,209,634, G>C on the plus strand (C>G on the coding strand, the complement: DMD is on the minus strand). VCF-style: chrX-31209634-G-C. GRCh37 (hg19) VCF-style: chrX-31227751-G-C.
Other names: c.9403C>G, p.Gln3135Glu (NM_000109.4); c.9415C>G, p.Gln3139Glu (NM_004009.3); c.9058C>G, p.Gln3020Glu (NM_004010.3); c.5404C>G, p.Gln1802Glu (NM_004011.4); c.5395C>G, p.Gln1799Glu (NM_004012.4); c.2047C>G, p.Gln683Glu (NM_004013.3, NM_004020.4, NM_004021.3 and 2 more transcripts); c.1240C>G, p.Gln414Glu (NM_004014.3); c.223C>G, p.Gln75Glu (NM_004015.3, NM_004016.3, NM_004017.3 and 2 more transcripts); short protein forms Q3143E, Q3135E, Q683E, Q1802E, Q3139E, Q75E, Q1799E, Q3020E.
Identifiers: ClinVar variation 1387163 (VCV001387163.5), dbSNP rs2148592287, ClinGen allele CA412650026.